The following is an entry in ClinVar:

NM_006005.3(WFS1):c.1088A>C (p.Lys363Thr)

Gene: WFS1 (wolframin ER transmembrane glycoprotein; plus strand). Cytogenetic location: 4p16.1.
Variant type: single nucleotide variant.
Coding change: c.1088A>C on transcript NM_006005.3 (MANE Select); coding-DNA position 1088, A replaced by C.
Protein change: p.Lys363Thr; replaces lysine 363 with threonine.
Molecular consequence: missense variant.
Genome position (GRCh38, 1-based): chr4:6,300,883, A>C. VCF-style: chr4-6300883-A-C. GRCh37 (hg19) VCF-style: chr4-6302610-A-C.
Other names: c.1088A>C, p.Lys363Thr (NM_001145853.1); short protein forms K363T.
Identifiers: ClinVar variation 1327580 (VCV001327580.2), dbSNP rs1386447227, ClinGen allele CA356174225.
Genomic context (GRCh38, chr4:6,300,883, plus strand): 5'-TCTTCATCCCGCTGGTCATCTTCTACCTGTCCTTCATCTCCATGGTGATCTGCACCCTCA[A>C]GGTGTTCCAGGACAGCAAGGCCTGGGAGAACTTCCGCACCCTCACCGACCTGCTGCTGCG-3'
Protein context (NP_005996.2, residues 353-373): SFISMVICTL[Lys363Thr]VFQDSKAWEN

ClinVar aggregate classification (germline): Uncertain significance. Review status: criteria provided, single submitter (1 of 4 stars). 2 submissions from 2 submitters: Uncertain significance (1). 1 of the submissions does not count toward it. Last evaluated 2019-11-11.

Conditions:
Wolfram syndrome 1 (WFS1). Identifiers: Orphanet 3463, MedGen C4551693, MONDO:0009101, OMIM 222300.

Allele frequency attached by ClinVar (database versions not stated): gnomAD 0.00001; TOPMed 0.00001.
gnomAD v4.1: 1 of 1,613,850 alleles (0.000062%); highest among the groups gnomAD compares: African/African-American, 0.0013%; no homozygotes.

Submissions (2):

Blueprint Genetics
Classification: Uncertain significance. Last evaluated: 2019-11-11. Review status: criteria provided, single submitter. Criteria: ACMG Guidelines, 2015. Collection method: clinical testing. Allele origin: germline.

Laboratory of Prof. Karen Avraham, Tel Aviv University
Classification: Likely pathogenic for Wolfram syndrome 1. Last evaluated: 2021-11-25. Review status: no assertion criteria provided. Collection method: research. Allele origin: germline. Affected: yes. Not counted in ClinVar's aggregate classification.
Comment: Compound heterozygossity with NM_006005.3:c.2020G>A. Congenital low-tone HL. Teenage onset mild vision problem.

Literature cited by the submitters: PubMed 30311386 (cited by Laboratory of Prof. Karen Avraham, Tel Aviv University).